The following is an entry in ClinVar:

NM_015909.4(NBAS):c.4966G>A (p.Asp1656Asn)

Gene: NBAS (NBAS subunit of NRZ tethering complex; minus strand). Cytogenetic location: 2p24.3.
Variant type: single nucleotide variant.
Coding change: c.4966G>A on transcript NM_015909.4 (MANE Select); coding-DNA position 4966, G replaced by A.
Protein change: p.Asp1656Asn; replaces aspartic acid 1656 with asparagine.
Molecular consequence: missense variant. On other transcripts: non-coding transcript variant (1).
Genome position (GRCh38, 1-based): chr2:15,292,598, C>T on the plus strand (G>A on the coding strand, the complement: NBAS is on the minus strand). VCF-style: chr2-15292598-C-T. GRCh37 (hg19) VCF-style: chr2-15432722-C-T.
Other names: short protein forms D1656N.
Identifiers: ClinVar variation 1524263 (VCV001524263.3), dbSNP rs2148112600, ClinGen allele CA345888971.

ClinVar aggregate classification (germline): Uncertain significance (1 of 4 stars; one submission).

Submission:

Labcorp Genetics (formerly Invitae), Labcorp
Classification: Uncertain significance. Last evaluated: 2022-10-05. Review status: criteria provided, single submitter. Criteria: Invitae Variant Classification Sherloc (09022015). Collection method: clinical testing. Allele origin: germline.
Comment: This sequence change replaces aspartic acid, which is acidic and polar, with asparagine, which is neutral and polar, at codon 1656 of the NBAS protein (p.Asp1656Asn). This variant is not present in population databases (gnomAD no frequency). This variant has not been reported in the literature in individuals affected with NBAS-related conditions. ClinVar contains an entry for this variant (Variation ID: 1524263). Advanced modeling of protein sequence and biophysical properties (such as structural, functional, and spatial information, amino acid conservation, physicochemical variation, residue mobility, and thermodynamic stability) performed at Invitae indicates that this missense variant is not expected to disrupt NBAS protein function. In summary, the available evidence is currently insufficient to determine the role of this variant in disease. Therefore, it has been classified as a Variant of Uncertain Significance.